The following is an entry in ClinVar:

ClinVar aggregate classification (germline): Likely pathogenic (1 of 4 stars; one submission).

Submission:

Labcorp Genetics (formerly Invitae), Labcorp
Classification: Likely pathogenic. Last evaluated: 2024-11-13. Review status: criteria provided, single submitter. Criteria: Invitae Variant Classification Sherloc (09022015). Collection method: clinical testing. Allele origin: germline.
Comment: This sequence change affects an acceptor splice site in intron 1 of the FRAS1 gene. It is expected to disrupt RNA splicing. Variants that disrupt the donor or acceptor splice site typically lead to a loss of protein function (PMID: 16199547), and loss-of-function variants in FRAS1 are known to be pathogenic (PMID: 12766769, 18671281). This variant is not present in population databases (gnomAD no frequency). This variant has not been reported in the literature in individuals affected with FRAS1-related conditions. Algorithms developed to predict the effect of sequence changes on RNA splicing suggest that this variant may disrupt the consensus splice site. In summary, the currently available evidence indicates that the variant is pathogenic, but additional data are needed to prove that conclusively. Therefore, this variant has been classified as Likely Pathogenic.

Literature cited by the submitters: PubMed 16199547; PubMed 12766769; PubMed 18671281.

NM_025074.7(FRAS1):c.77-2A>G

Gene: FRAS1 (Fraser extracellular matrix complex subunit 1; plus strand). Cytogenetic location: 4q21.21.
Variant type: single nucleotide variant.
Coding change: c.77-2A>G on transcript NM_025074.7 (MANE Select); the canonical splice acceptor site of the intron before coding-DNA position 77, A replaced by G.
Molecular consequence: splice acceptor variant.
Genome position (GRCh38, 1-based): chr4:78,065,983, A>G. VCF-style: chr4-78065983-A-G. GRCh37 (hg19) VCF-style: chr4-78987137-A-G.
Other names: c.77-2A>G (NM_001166133.2).
Identifiers: ClinVar variation 3662299 (VCV003662299.2).